The following is an entry in ClinVar:

ClinVar aggregate classification (germline): Benign/Likely benign. Review status: criteria provided, multiple submitters, no conflicts (2 of 4 stars). 4 submissions from 4 submitters: Benign (1); Likely benign (3). Last evaluated 2026-09-23.

Conditions:
KAT6B-related disorder. Also called: KAT6B-related disorders; KAT6B-related condition.
Inborn genetic diseases. Identifiers: MedGen C0950123, MeSH D030342.

Allele frequency attached by ClinVar (database versions not stated): gnomAD 0.00002; TOPMed 0.00004; gnomAD exomes 0.00007 and 0.00013; ExAC 0.00016.
gnomAD v4.1: 42 of 1,614,004 alleles (0.0026%); highest among the groups gnomAD compares: Admixed American, 0.07%; no homozygotes.

Submissions (4):

PreventionGenetics, part of Exact Sciences
Classification: Likely benign for KAT6B-related condition. Last evaluated: 2026-09-23. Review status: criteria provided, single submitter. Criteria: ACMG Guidelines, 2015. Collection method: clinical testing. Allele origin: germline.
Comment: This variant is classified as likely benign based on ACMG/AMP sequence variant interpretation guidelines (Richards et al. 2015 PMID: 25741868, with internal and published modifications).

Ambry Genetics
Classification: Likely benign for Inborn genetic diseases. Last evaluated: 2024-11-27. Review status: criteria provided, single submitter. Criteria: Ambry Variant Classification Scheme 2023. Collection method: clinical testing. Allele origin: germline.

Blueprint Genetics
Classification: Likely benign. Last evaluated: 2022-10-15. Review status: criteria provided, single submitter. Criteria: ACMG Guidelines, 2015. Collection method: clinical testing. Allele origin: germline.

GeneDx
Classification: Benign. Last evaluated: 2021-06-14. Review status: criteria provided, single submitter. Criteria: GeneDx Variant Classification Process June 2021. Collection method: clinical testing. Allele origin: germline. Affected: yes.

NM_012330.4(KAT6B):c.4393C>A (p.Gln1465Lys)

Gene: KAT6B (lysine acetyltransferase 6B; plus strand). Cytogenetic location: 10q22.2.
Variant type: single nucleotide variant.
Coding change: c.4393C>A on transcript NM_012330.4 (MANE Select); coding-DNA position 4393, C replaced by A.
Protein change: p.Gln1465Lys; replaces glutamine 1465 with lysine.
Molecular consequence: missense variant.
Genome position (GRCh38, 1-based): chr10:75,029,217, C>A. VCF-style: chr10-75029217-C-A. GRCh37 (hg19) VCF-style: chr10-76788975-C-A.
Other names: c.4393C>A (NM_012330.2); c.3844C>A, p.Gln1282Lys (NM_001256468.2, NM_001370138.1); c.3517C>A, p.Gln1173Lys (NM_001256469.2, NM_001370139.1, NM_001370140.1 and 2 more transcripts); c.3355C>A, p.Gln1119Lys (NM_001370132.1); c.2704C>A, p.Gln902Lys (NM_001370133.1); c.2308C>A, p.Gln770Lys (NM_001370134.1); c.2050C>A, p.Gln684Lys (NM_001370135.1); c.4393C>A, p.Gln1465Lys (NM_001370136.1, NM_001370137.1); and 1 more; short protein forms Q1110K, Q1119K, Q1173K, Q1282K, Q1465K, Q684K, Q770K, Q902K.
Identifiers: ClinVar variation 1262265 (VCV001262265.5), dbSNP rs770050630, ClinGen allele CA5565026.